The following is an entry in ClinVar:

NM_213595.4(ISCU):c.418+383A>G

Gene: ISCU (iron-sulfur cluster assembly enzyme; plus strand). Cytogenetic location: 12q23.3.
Variant type: single nucleotide variant.
Coding change: c.418+383A>G on transcript NM_213595.4 (MANE Select); 383 bases into the intron after coding-DNA position 418, A replaced by G.
Molecular consequence: intron variant.
Genome position (GRCh38, 1-based): chr12:108,567,651, A>G. VCF-style: chr12-108567651-A-G. GRCh37 (hg19) VCF-style: chr12-108961427-A-G.
Other names: c.343+383A>G (NM_014301.4); c.419-7A>G (NM_001320042.1, NM_001301140.1); c.419-269A>G (NM_001301141.1).
Identifiers: ClinVar variation 3055719 (VCV003055719.2), dbSNP rs968001376, ClinGen allele CA243323792.
Genomic context (GRCh38, chr12:108,567,651, plus strand): 5'-GAGACGCCCACATCACATGGCTAATAAGTGGAAGAGCCAGAATTTAAGCTCCAATCTTTG[A>G]TTTCAGAATCTGTGCTGTTTCCAGCAGAGGAGAAAACTCAGCTTTCGCCATAATCCTGTT-3'

ClinVar aggregate classification (germline): Likely benign (0 of 4 stars; one submission).

Conditions:
ISCU-related disorder. Also called: ISCU-related condition.

Allele frequency attached by ClinVar (database versions not stated): gnomAD exomes 0.00001; gnomAD 0.00002; TOPMed 0.00002.
gnomAD v4.1: 13 of 1,535,494 alleles (0.00085%); highest among the groups gnomAD compares: East Asian, 0.029%; no homozygotes.

Submission:

PreventionGenetics, part of Exact Sciences
Classification: Likely benign for ISCU-related condition. Last evaluated: 2019-08-08. Review status: no assertion criteria provided. Collection method: clinical testing. Allele origin: germline.
Comment: This variant is classified as likely benign based on ACMG/AMP sequence variant interpretation guidelines (Richards et al. 2015 PMID: 25741868, with internal and published modifications).